The following is an entry in ClinVar:

NM_001673.5(ASNS):c.1478T>C (p.Val493Ala)

Genes: ASNS (asparagine synthetase (glutamine-hydrolyzing); minus strand), CZ1P-ASNS (CZ1P-ASNS readthrough; minus strand). Cytogenetic location: 7q21.3.
Variant type: single nucleotide variant.
Coding change: c.1478T>C on transcript NM_001673.5 (MANE Select); coding-DNA position 1478, T replaced by C.
Protein change: p.Val493Ala; replaces valine 493 with alanine.
Molecular consequence: missense variant. On other transcripts: non-coding transcript variant (1).
Genome position (GRCh38, 1-based): chr7:97,852,467, A>G on the plus strand (T>C on the coding strand, the complement: ASNS is on the minus strand). VCF-style: chr7-97852467-A-G. GRCh37 (hg19) VCF-style: chr7-97481779-A-G.
Other names: c.1415T>C, p.Val472Ala (NM_001178075.2); c.1229T>C, p.Val410Ala (NM_001178076.2, NM_001178077.1); c.1478T>C, p.Val493Ala (NM_001352496.2, NM_133436.3, NM_183356.4); short protein forms V410A, V472A, V493A.
Identifiers: ClinVar variation 5020399 (VCV005020399.1).

ClinVar aggregate classification (germline): Uncertain significance (1 of 4 stars; one submission).

gnomAD v4.1: 2 of 1,614,062 alleles (0.00012%); highest among the groups gnomAD compares: Non-Finnish European, 0.00017%; no homozygotes.

Submission:

Dasa
Classification: Uncertain significance. Last evaluated: 2026-06-11. Review status: criteria provided, single submitter. Criteria: DASA Assertion Criteria. Collection method: clinical testing. Allele origin: germline.
Comment: NM_001673.5(ASNS):c.1478T>C (p.Val493Ala) is a missense variant that results in the substitution of valine with alanine. This variant is rare in population databases. The currently available literature and clinical evidence are not sufficient to establish a definitive association between this variant and the reported condition. Therefore, this variant is classified as a variant of uncertain significance.